The following is an entry in ClinVar:

NM_001492.6(GDF1):c.808_809del (p.Arg270fs)

Genes: CERS1 (ceramide synthase 1; minus strand), GDF1 (growth differentiation factor 1; minus strand). Cytogenetic location: 19p13.11.
Variant type: Microsatellite.
Coding change: c.808_809del on transcript NM_001492.6 (MANE Select); coding-DNA positions 808 to 809, 2 bases deleted (CG; older notation c.808_809delCG).
Protein change: p.Arg270fs; shifts the reading frame from arginine 270.
Molecular consequence: frameshift variant. On other transcripts: 3 prime UTR variant (2).
Genome position (GRCh38, 1-based): chr19:18,868,907-18,868,908, CG deleted on the plus strand (CG on the coding strand, the reverse complement: GDF1 is on the minus strand); deleting any 2 consecutive bases within chr19:18,868,907-18,868,914 gives the same sequence; the c. name uses the placement nearest the transcript's 3' end. VCF-style (leftmost placement, unchanged base first): chr19-18868906-CCG-C. GRCh37 (hg19) VCF-style: chr19-18979715-CCG-C.
Other names: c.*1663CG[3] (NM_001387440.1); c.*1071CG[3] (NM_021267.5); c.808_809del, p.Arg270fs (NM_001387438.1); short protein forms R270fs.
Identifiers: ClinVar variation 4736658 (VCV004736658.3).

ClinVar aggregate classification (germline): Conflicting classifications of pathogenicity. Review status: criteria provided, conflicting classifications (1 of 4 stars). 2 submissions from 2 submitters: Pathogenic (1); Uncertain significance (1). Last evaluated 2025-12-23.

Submissions (2):

Labcorp Genetics (formerly Invitae), Labcorp
Classification: Pathogenic. Last evaluated: 2025-12-23. Review status: criteria provided, single submitter. Criteria: Invitae Variant Classification Sherloc (09022015). Collection method: clinical testing. Allele origin: germline.
Comment: This sequence change creates a premature translational stop signal (p.Arg270Alafs*81) in the GDF1 gene. While this is not anticipated to result in nonsense mediated decay, it is expected to disrupt the last 103 amino acid(s) of the GDF1 protein. This variant is not present in population databases (gnomAD no frequency). This variant has not been reported in the literature in individuals affected with GDF1-related conditions. This variant disrupts a region of the GDF1 protein in which other variant(s) (p.Val304Argfs*48) have been determined to be pathogenic (PMID: 20413652, 34486251). This suggests that this is a clinically significant region of the protein, and that variants that disrupt it are likely to be disease-causing. For these reasons, this variant has been classified as Pathogenic.

Dasa
Classification: Uncertain significance. Last evaluated: 2025-02-04. Review status: criteria provided, single submitter. Criteria: DASA Assertion Criteria. Collection method: clinical testing. Allele origin: germline.
Comment: NM_001492.6(GDF1):c.808_809del (p.Arg270Alafs*81) is a frameshift variant in GDF1 predicted to alter the reading frame and introduce a premature termination codon. This variant is rare in population databases. The currently available literature and clinical evidence are not sufficient to establish a definitive association between this variant and the reported condition. Therefore, this variant is classified as a variant of uncertain significance.

Literature cited by the submitters: PubMed 20413652 (cited by Labcorp Genetics (formerly Invitae), Labcorp); PubMed 34486251 (cited by Labcorp Genetics (formerly Invitae), Labcorp).